The following is an entry in ClinVar:

NM_005445.4(SMC3):c.2950A>C (p.Lys984Gln)

Gene: SMC3 (structural maintenance of chromosomes 3; plus strand). Cytogenetic location: 10q25.2.
Variant type: single nucleotide variant.
Coding change: c.2950A>C on transcript NM_005445.4 (MANE Select); coding-DNA position 2950, A replaced by C.
Protein change: p.Lys984Gln; replaces lysine 984 with glutamine.
Molecular consequence: missense variant.
Genome position (GRCh38, 1-based): chr10:110,602,023, A>C. VCF-style: chr10-110602023-A-C. GRCh37 (hg19) VCF-style: chr10-112361781-A-C.
Other names: short protein forms K984Q.
Identifiers: ClinVar variation 3684738 (VCV003684738.2).

ClinVar aggregate classification (germline): Uncertain significance (1 of 4 stars; one submission).

Conditions:
Cornelia de Lange syndrome 3 (CDLS3). Also called: SMC3-Related Cornelia de Lange Syndrome; CORNELIA DE LANGE SYNDROME 3 WITH OR WITHOUT MIDLINE BRAIN DEFECTS. Identifiers: Orphanet 199, MedGen C1853099, MONDO:0012555, OMIM 610759.

gnomAD v4.1: 2 of 1,613,886 alleles (0.00012%); highest among the groups gnomAD compares: Admixed American, 0.0033%; no homozygotes.

Submission:

Labcorp Genetics (formerly Invitae), Labcorp
Classification: Uncertain significance for Cornelia de Lange syndrome 3. Last evaluated: 2024-12-02. Review status: criteria provided, single submitter. Criteria: Invitae Variant Classification Sherloc (09022015). Collection method: clinical testing. Allele origin: germline.
Comment: This sequence change replaces lysine, which is basic and polar, with glutamine, which is neutral and polar, at codon 984 of the SMC3 protein (p.Lys984Gln). This variant is present in population databases (rs752190321, gnomAD 0.006%). This variant has not been reported in the literature in individuals affected with SMC3-related conditions. Invitae Evidence Modeling of protein sequence and biophysical properties (such as structural, functional, and spatial information, amino acid conservation, physicochemical variation, residue mobility, and thermodynamic stability) has been performed for this missense variant. However, the output from this modeling did not meet the statistical confidence thresholds required to predict the impact of this variant on SMC3 protein function. In summary, the available evidence is currently insufficient to determine the role of this variant in disease. Therefore, it has been classified as a Variant of Uncertain Significance.